The following is an entry in ClinVar:

ClinVar aggregate classification (germline): Likely benign. Review status: criteria provided, multiple submitters, no conflicts (2 of 4 stars). 4 submissions from 4 submitters: Likely benign (4). Last evaluated 2025-10-20.

Conditions:
Kabuki syndrome. Also called: NIIKAWA-KUROKI SYNDROME; Kabuki make-up syndrome. Identifiers: Orphanet 2322, MedGen C0796004, MONDO:0016512.
KMT2D-related disorder. Also called: KMT2D-Related Disorders.

gnomAD v4.1: 61 of 1,541,716 alleles (0.004%); highest among the groups gnomAD compares: Admixed American, 0.006%; no homozygotes.

Submissions (4):

Labcorp Genetics (formerly Invitae), Labcorp
Classification: Likely benign for Kabuki syndrome. Last evaluated: 2025-10-20. Review status: criteria provided, single submitter. Criteria: Invitae Variant Classification Sherloc (09022015). Collection method: clinical testing. Allele origin: germline.

CeGaT Center for Human Genetics Tuebingen
Classification: Likely benign. Last evaluated: 2025-10-01. Review status: criteria provided, single submitter. Criteria: CeGaT Center For Human Genetics Tuebingen Variant Classification Criteria Version 2. Collection method: clinical testing. Allele origin: germline. Affected: yes. Observed: 1 variant allele.
Comment: KMT2D: BS2

PreventionGenetics, part of Exact Sciences
Classification: Likely benign for KMT2D-related condition. Last evaluated: 2024-12-12. Review status: criteria provided, single submitter. Criteria: ACMG Guidelines, 2015. Collection method: clinical testing. Allele origin: germline.
Comment: This variant is classified as likely benign based on ACMG/AMP sequence variant interpretation guidelines (Richards et al. 2015 PMID: 25741868, with internal and published modifications).

Blueprint Genetics
Classification: Likely benign. Last evaluated: 2022-12-23. Review status: criteria provided, single submitter. Criteria: ACMG Guidelines, 2015. Collection method: clinical testing. Allele origin: germline.

NM_003482.4(KMT2D):c.12848C>T (p.Pro4283Leu)

Gene: KMT2D (lysine methyltransferase 2D; minus strand). Cytogenetic location: 12q13.12.
Variant type: single nucleotide variant.
Coding change: c.12848C>T on transcript NM_003482.4 (MANE Select); coding-DNA position 12848, C replaced by T.
Protein change: p.Pro4283Leu; replaces proline 4283 with leucine.
Molecular consequence: missense variant.
Genome position (GRCh38, 1-based): chr12:49,031,857, G>A on the plus strand (C>T on the coding strand, the complement: KMT2D is on the minus strand). VCF-style: chr12-49031857-G-A. GRCh37 (hg19) VCF-style: chr12-49425640-G-A.
Other names: c.12848C>T (NM_003482.3); short protein forms P4283L.
Identifiers: ClinVar variation 1610614 (VCV001610614.16), dbSNP rs768584961, ClinGen allele CA6546122.